The following is an entry in ClinVar:

ClinVar aggregate classification (germline): Uncertain significance (1 of 4 stars; one submission).

Submission:

Labcorp Genetics (formerly Invitae), Labcorp
Classification: Uncertain significance. Last evaluated: 2023-07-07. Review status: criteria provided, single submitter. Criteria: Invitae Variant Classification Sherloc (09022015). Collection method: clinical testing. Allele origin: germline.
Comment: In summary, the available evidence is currently insufficient to determine the role of this variant in disease. Therefore, it has been classified as a Variant of Uncertain Significance. An algorithm developed to predict the effect of missense changes on protein structure and function (PolyPhen-2) suggests that this variant is likely to be tolerated. This variant has not been reported in the literature in individuals affected with KIF20A-related conditions. This variant is present in population databases (rs201044865, gnomAD 0.002%). This sequence change replaces methionine, which is neutral and non-polar, with isoleucine, which is neutral and non-polar, at codon 600 of the KIF20A protein (p.Met600Ile).

NM_005733.3(KIF20A):c.1800G>T (p.Met600Ile)

Gene: KIF20A (kinesin family member 20A; plus strand). Cytogenetic location: 5q31.2.
Variant type: single nucleotide variant.
Coding change: c.1800G>T on transcript NM_005733.3 (MANE Select); coding-DNA position 1800, G replaced by T.
Protein change: p.Met600Ile; replaces methionine 600 with isoleucine.
Molecular consequence: missense variant.
Genome position (GRCh38, 1-based): chr5:138,184,923, G>T. VCF-style: chr5-138184923-G-T. GRCh37 (hg19) VCF-style: chr5-137520612-G-T.
Other names: short protein forms M600I.
Identifiers: ClinVar variation 2985886 (VCV002985886.3), dbSNP rs201044865, ClinGen allele CA3426707.